The following is an entry in ClinVar:

NM_000138.5(FBN1):c.1463G>A (p.Cys488Tyr)

Gene: FBN1 (fibrillin 1; minus strand). Cytogenetic location: 15q21.1.
Variant type: single nucleotide variant.
Coding change: c.1463G>A on transcript NM_000138.5 (MANE Select); coding-DNA position 1463, G replaced by A.
Protein change: p.Cys488Tyr; replaces cysteine 488 with tyrosine.
Molecular consequence: missense variant.
Genome position (GRCh38, 1-based): chr15:48,515,392, C>T on the plus strand (G>A on the coding strand, the complement: FBN1 is on the minus strand). VCF-style: chr15-48515392-C-T. GRCh37 (hg19) VCF-style: chr15-48807589-C-T.
Other names: short protein forms C488Y.
Identifiers: ClinVar variation 549017 (VCV000549017.13), dbSNP rs1555400372, ClinGen allele CA392343559.

ClinVar aggregate classification (germline): Pathogenic/Likely pathogenic. Review status: criteria provided, multiple submitters, no conflicts (2 of 4 stars). 5 submissions from 5 submitters: Pathogenic (3); Likely pathogenic (1). 1 of the submissions does not count toward it. Last evaluated 2024-05-07.

Conditions:
THOC6-related developmental delay-microcephaly-facial dysmorphism syndrome. Also called: THOC6 Intellectual Disability Syndrome; Microcephaly, mental retardation, and distinctive facies, with cardiac and genitourinary malformations; Beaulieu-Boycott-Innes syndrome. Identifiers: Orphanet 363444, MedGen C3150939, MONDO:0013362, OMIM 613680.
Familial thoracic aortic aneurysm and aortic dissection (TAAD). Also called: Thoracic aortic aneurysms and dissections. Identifiers: Orphanet 91387, MedGen C4707243, MONDO:0019625.
Marfan syndrome (MFS). Also called: Marfan syndrome type 1; Marfan syndrome, classic; Marfan's syndrome; FBN1-Related Marfan Syndrome; MARFAN SYNDROME, TYPE I. Identifiers: Orphanet 284963, Orphanet 558, MedGen C0024796, MONDO:0007947, OMIM 154700.
FBN1-related disorder. Also called: FBN1-related disorders.

Submissions (5):

Labcorp Genetics (formerly Invitae), Labcorp
Classification: Pathogenic for Marfan syndrome; Familial thoracic aortic aneurysm and aortic dissection. Last evaluated: 2024-05-07. Review status: criteria provided, single submitter. Criteria: Invitae Variant Classification Sherloc (09022015). Collection method: clinical testing. Allele origin: germline.
Comment: This sequence change replaces cysteine, which is neutral and slightly polar, with tyrosine, which is neutral and polar, at codon 488 of the FBN1 protein (p.Cys488Tyr). This variant is not present in population databases (gnomAD no frequency). This variant has not been reported in the literature in individuals affected with FBN1-related conditions. ClinVar contains an entry for this variant (Variation ID: 549017). Advanced modeling of protein sequence and biophysical properties (such as structural, functional, and spatial information, amino acid conservation, physicochemical variation, residue mobility, and thermodynamic stability) performed at Invitae indicates that this missense variant is expected to disrupt FBN1 protein function with a positive predictive value of 95%. This variant affects a cysteine residue in the EGF-like, TGFBP or hybrid motif domains of FBN1. Cysteine residues are believed to be involved in intramolecular disulfide bridges and have been shown to be important for FBN1 protein structure (PMID: 16905551, 19349279). In addition, missense substitutions affecting cysteine residues within these domains are significantly overrepresented among patients with Marfan syndrome (PMID: 16571647, 17701892). This variant disrupts the p.Cys488 amino acid residue in FBN1. Other variant(s) that disrupt this residue have been observed in individuals with FBN1-related conditions (PMID: 15241795, 18435798, 19293843), which suggests that this may be a clinically significant amino acid residue. For these reasons, this variant has been classified as Pathogenic.

Blueprint Genetics
Classification: Pathogenic for FBN1-related disorders. Last evaluated: 2022-12-05. Review status: criteria provided, single submitter. Criteria: ACMG Guidelines, 2015. Collection method: clinical testing. Allele origin: germline. Affected: yes. Observed: 1 variant allele.

Ambry Genetics
Classification: Pathogenic for Familial thoracic aortic aneurysm and aortic dissection. Last evaluated: 2020-08-14. Review status: criteria provided, single submitter. Criteria: Ambry Variant Classification Scheme 2023. Collection method: clinical testing. Allele origin: germline.
Comment: The p.C488Y pathogenic mutation (also known as c.1463G>A), located in coding exon 11 of the FBN1 gene, results from a G to A substitution at nucleotide position 1463. The cysteine at codon 488 is replaced by tyrosine, an amino acid with highly dissimilar properties, and is located in the cbEGF-like #04 domain. The majority of FBN1 mutations identified to date have involved the substitution or generation of cysteine residues within cbEGF domains (Vollbrandt T et al. J Biol Chem. 2004;279(31):32924-32931). Based on internal structural assessment, this alteration eliminates a structurally critical disulfide bond in the structurally sensitive EGF/cbEGF domain #04. This variant was not reported in population-based cohorts in the Genome Aggregation Database (gnomAD). Another alteration at the same codon, p.C488R (c.1462T>C), has been noted in a subject with features of Marfan syndrome (Attanasio M et al. Eur J Med Genet, 2013 Jul;56:356-60). This amino acid position is highly conserved in available vertebrate species. In addition, this alteration is predicted to be deleterious by in silico analysis. Based on the supporting evidence, this alteration is interpreted as a disease-causing mutation.

Kasturba Medical College, Manipal, Kasturba Medical College, Manipal, Manipal Academy of Higher Education, Manipal, India
Classification: Likely pathogenic for THOC6-related developmental delay-microcephaly-facial dysmorphism syndrome. Review status: criteria provided, single submitter. Criteria: ACMG Guidelines, 2015. Collection method: research. Allele origin: inherited. Inheritance: Autosomal dominant inheritance. Affected: yes.

Center for Medical Genetics Ghent, University of Ghent
Classification: Likely pathogenic for Marfan syndrome. Last evaluated: 2017-11-07. Review status: no assertion criteria provided. Collection method: clinical testing. Allele origin: germline. Affected: yes. Not counted in ClinVar's aggregate classification.

Literature cited by the submitters: PubMed 16905551 (cited by Labcorp Genetics (formerly Invitae), Labcorp); PubMed 19349279 (cited by Labcorp Genetics (formerly Invitae), Labcorp); PubMed 16571647 (cited by Labcorp Genetics (formerly Invitae), Labcorp); PubMed 17701892 (cited by Labcorp Genetics (formerly Invitae), Labcorp); PubMed 15241795 (cited by Labcorp Genetics (formerly Invitae), Labcorp); PubMed 18435798 (cited by Labcorp Genetics (formerly Invitae), Labcorp); PubMed 19293843 (cited by Labcorp Genetics (formerly Invitae), Labcorp).